The following is an entry in ClinVar:

ClinVar aggregate classification (germline): Uncertain significance. Review status: criteria provided, multiple submitters, no conflicts (2 of 4 stars). 4 submissions from 4 submitters: Uncertain significance (4). Last evaluated 2026-01-02.

Conditions:
Beckwith-Wiedemann syndrome (BWS). Also called: EMG SYNDROME; Exomphalos macroglossia gigantism syndrome. Identifiers: Orphanet 116, MedGen C0004903, MONDO:0007534, OMIM 130650.
IMAGe syndrome. Also called: Intrauterine Growth Restriction, Metaphyseal Dysplasia, Adrenal Hypoplasia Congenita, and Genital Anomalies; Intrauterine growth retardation, metaphyseal dysplasia, adrenal hypoplasia congenita, and genital anomalies. Identifiers: Orphanet 85173, MedGen C1846009, MONDO:0013873, OMIM 614732.

Allele frequency attached by ClinVar (database versions not stated): gnomAD 0.00001; TOPMed 0.00002; gnomAD exomes 0.00004.

Submissions (4):

Labcorp Genetics (formerly Invitae), Labcorp
Classification: Uncertain significance for Beckwith-Wiedemann syndrome. Last evaluated: 2026-01-02. Review status: criteria provided, single submitter. Criteria: Invitae Variant Classification Sherloc (09022015). Collection method: clinical testing. Allele origin: germline.
Comment: This sequence change replaces proline, which is neutral and non-polar, with leucine, which is neutral and non-polar, at codon 137 of the CDKN1C protein (p.Pro137Leu). This variant is present in population databases (no rsID available, gnomAD 0.01%). This variant has not been reported in the literature in individuals affected with CDKN1C-related conditions. ClinVar contains an entry for this variant (Variation ID: 575309). Experimental studies and prediction algorithms are not available or were not evaluated, and the functional significance of this variant is currently unknown. In summary, the available evidence is currently insufficient to determine the role of this variant in disease. Therefore, it has been classified as a Variant of Uncertain Significance.

Fulgent Genetics
Classification: Uncertain significance for Beckwith-Wiedemann syndrome; IMAGe syndrome. Last evaluated: 2024-02-07. Review status: criteria provided, single submitter. Criteria: ACMG Guidelines, 2015. Collection method: clinical testing. Allele origin: germline.

Women's Health and Genetics/Laboratory Corporation of America, LabCorp
Classification: Uncertain significance. Last evaluated: 2023-02-20. Review status: criteria provided, single submitter. Criteria: LabCorp Variant Classification Summary - May 2015. Collection method: clinical testing. Allele origin: germline.
Comment: Variant summary: CDKN1C c.410C>T (p.Pro137Leu) results in a non-conservative amino acid change in the encoded protein sequence. Three of five in-silico tools predict a damaging effect of the variant on protein function. The variant allele was found at a frequency of 4.1e-05 in 24556 control chromosomes (gnomAD). The available data on variant occurrences in the general population are insufficient to allow any conclusion about variant significance. To our knowledge, no occurrence of c.410C>T in individuals affected with Beckwith-Wiedemann Syndrome and no experimental evidence demonstrating its impact on protein function have been reported. One ClinVar submitter (evaluation after 2014) cites this variant as uncertain significance. Based on the evidence outlined above, the variant was classified as uncertain significance.

Blueprint Genetics
Classification: Uncertain significance. Last evaluated: 2022-09-20. Review status: criteria provided, single submitter. Criteria: ACMG Guidelines, 2015. Collection method: clinical testing. Allele origin: germline.

NM_001122630.2(CDKN1C):c.377C>T (p.Pro126Leu)

Gene: CDKN1C (cyclin dependent kinase inhibitor 1C; minus strand). Cytogenetic location: 11p15.4.
Variant type: single nucleotide variant.
Coding change: c.377C>T on transcript NM_001122630.2 (MANE Select); coding-DNA position 377, C replaced by T.
Protein change: p.Pro126Leu; replaces proline 126 with leucine.
Molecular consequence: missense variant. On other transcripts: intron variant (1).
Genome position (GRCh38, 1-based): chr11:2,885,080, G>A on the plus strand (C>T on the coding strand, the complement: CDKN1C is on the minus strand). VCF-style: chr11-2885080-G-A. GRCh37 (hg19) VCF-style: chr11-2906310-G-A.
Other names: c.410C>T, p.Pro137Leu (LRG_533t1, NM_000076.2, NM_001362474.2); c.377C>T, p.Pro126Leu (NM_001122631.2); c.255+122C>T (NM_001362475.2); short protein forms P137L, P126L.
Identifiers: ClinVar variation 575309 (VCV000575309.12), dbSNP rs1445830484, ClinGen allele CA379146750.